The following is an entry in ClinVar:

ClinVar aggregate classification (germline): Uncertain significance. Review status: criteria provided, multiple submitters, no conflicts (2 of 4 stars). 2 submissions from 2 submitters: Uncertain significance (2). Last evaluated 2024-01-31.

Conditions:
Inborn genetic diseases. Identifiers: MedGen C0950123, MeSH D030342.

Allele frequency attached by ClinVar (database versions not stated): ExAC 0.00001; gnomAD 0.00001; TOPMed 0.00001; gnomAD exomes 0.00002.
gnomAD v4.1: 18 of 1,613,874 alleles (0.0011%); highest among the groups gnomAD compares: Admixed American, 0.0067%; no homozygotes.

Submissions (2):

Ambry Genetics
Classification: Uncertain significance for Inborn genetic diseases. Last evaluated: 2024-01-31. Review status: criteria provided, single submitter. Criteria: Ambry Variant Classification Scheme 2023. Collection method: clinical testing. Allele origin: germline.

Labcorp Genetics (formerly Invitae), Labcorp
Classification: Uncertain significance. Last evaluated: 2022-09-26. Review status: criteria provided, single submitter. Criteria: Invitae Variant Classification Sherloc (09022015). Collection method: clinical testing. Allele origin: germline.
Comment: This sequence change replaces serine, which is neutral and polar, with leucine, which is neutral and non-polar, at codon 535 of the ABCC6 protein (p.Ser535Leu). This variant is present in population databases (rs749568041, gnomAD 0.01%). This variant has not been reported in the literature in individuals affected with ABCC6-related conditions. ClinVar contains an entry for this variant (Variation ID: 1506755). Advanced modeling of protein sequence and biophysical properties (such as structural, functional, and spatial information, amino acid conservation, physicochemical variation, residue mobility, and thermodynamic stability) has been performed at Invitae for this missense variant, however the output from this modeling did not meet the statistical confidence thresholds required to predict the impact of this variant on ABCC6 protein function. In summary, the available evidence is currently insufficient to determine the role of this variant in disease. Therefore, it has been classified as a Variant of Uncertain Significance.

NM_001171.6(ABCC6):c.1604C>T (p.Ser535Leu)

Gene: ABCC6 (ATP binding cassette subfamily C member 6; minus strand). Cytogenetic location: 16p13.11.
Variant type: single nucleotide variant.
Coding change: c.1604C>T on transcript NM_001171.6 (MANE Select); coding-DNA position 1604, C replaced by T.
Protein change: p.Ser535Leu; replaces serine 535 with leucine.
Molecular consequence: missense variant. On other transcripts: non-coding transcript variant (1).
Genome position (GRCh38, 1-based): chr16:16,190,195, G>A on the plus strand (C>T on the coding strand, the complement: ABCC6 is on the minus strand). VCF-style: chr16-16190195-G-A. GRCh37 (hg19) VCF-style: chr16-16284052-G-A.
Other names: c.1262C>T, p.Ser421Leu (NM_001351800.1); c.1604C>T (NM_001171.5); short protein forms S535L, S421L.
Identifiers: ClinVar variation 1506755 (VCV001506755.4), dbSNP rs749568041, ClinGen allele CA7926258.